The following is an entry in ClinVar:

NM_001372051.1(CASP8):c.91C>T (p.Pro31Ser)

Gene: CASP8 (caspase 8; plus strand). Cytogenetic location: 2q33.1.
Variant type: single nucleotide variant.
Coding change: c.91C>T on transcript NM_001372051.1 (MANE Select); coding-DNA position 91, C replaced by T.
Protein change: p.Pro31Ser; replaces proline 31 with serine.
Molecular consequence: missense variant. On other transcripts: 5 prime UTR variant (9), non-coding transcript variant (22), intron variant (3).
Genome position (GRCh38, 1-based): chr2:201,266,577, C>T. VCF-style: chr2-201266577-C-T. GRCh37 (hg19) VCF-style: chr2-202131300-C-T.
Other names: c.91C>T, p.Pro31Ser (NM_001080124.2, NM_001228.5, NM_001400645.1 and 21 more transcripts); c.268C>T, p.Pro90Ser (NM_001080125.2, NM_001400642.1, NM_001400665.1); c.-442C>T (NM_001400671.1, NM_001400673.1, NM_001400676.1 and 4 more transcripts); c.-623C>T (NM_001400674.1); c.-521C>T (NM_001400680.1); c.-4-4939C>T (NM_001400669.1); c.-227-4939C>T (NM_001400672.1, NM_001400675.1); short protein forms P90S, P31S.
Identifiers: ClinVar variation 1384154 (VCV001384154.8), dbSNP rs1559350009, ClinGen allele CA350282389.

ClinVar aggregate classification (germline): Uncertain significance (1 of 4 stars; one submission).

Conditions:
Autoimmune lymphoproliferative syndrome type 2B. Also called: AUTOIMMUNE LYMPHOPROLIFERATIVE SYNDROME, TYPE IIB. Identifiers: Orphanet 275517, MedGen C1846545, MONDO:0011804, OMIM 607271.

Allele frequency attached by ClinVar (database versions not stated): TOPMed below 0.00001.
gnomAD v4.1: 7 of 1,614,184 alleles (0.00043%); highest among the groups gnomAD compares: Non-Finnish European, 0.00059%; no homozygotes.

Submission:

Labcorp Genetics (formerly Invitae), Labcorp
Classification: Uncertain significance for Autoimmune lymphoproliferative syndrome type 2B. Last evaluated: 2021-07-04. Review status: criteria provided, single submitter. Criteria: Invitae Variant Classification Sherloc (09022015). Collection method: clinical testing. Allele origin: germline.
Comment: This variant is not present in population databases (ExAC no frequency). In summary, the available evidence is currently insufficient to determine the role of this variant in disease. Therefore, it has been classified as a Variant of Uncertain Significance. Algorithms developed to predict the effect of missense changes on protein structure and function are either unavailable or do not agree on the potential impact of this missense change (SIFT: "Tolerated"; PolyPhen-2: "Possibly Damaging"; Align-GVGD: "Class C0"). This variant has not been reported in the literature in individuals affected with CASP8-related conditions. This sequence change replaces proline with serine at codon 31 of the CASP8 protein (p.Pro31Ser). The proline residue is moderately conserved and there is a moderate physicochemical difference between proline and serine.